The following is an entry in ClinVar:

NM_001011.4(RPS7):c.157G>A (p.Val53Ile)

Gene: RPS7 (ribosomal protein S7; plus strand). Cytogenetic location: 2p25.3.
Variant type: single nucleotide variant.
Coding change: c.157G>A on transcript NM_001011.4 (MANE Select); coding-DNA position 157, G replaced by A.
Protein change: p.Val53Ile; replaces valine 53 with isoleucine.
Molecular consequence: missense variant.
Genome position (GRCh38, 1-based): chr2:3,576,496, G>A. VCF-style: chr2-3576496-G-A. GRCh37 (hg19) VCF-style: chr2-3624086-G-A.
Other names: short protein forms V53I.
Identifiers: ClinVar variation 1040145 (VCV001040145.10), dbSNP rs144178741, ClinGen allele CA1516596.

ClinVar aggregate classification (germline): Uncertain significance. Review status: criteria provided, multiple submitters, no conflicts (2 of 4 stars). 2 submissions from 2 submitters: Uncertain significance (2). Last evaluated 2023-07-31.

Conditions:
Diamond-Blackfan anemia 8 (DBA8). Also called: RPS7-Related Diamond-Blackfan Anemia. Identifiers: Orphanet 124, MedGen C2675511, MONDO:0012939, OMIM 612563.

Allele frequency attached by ClinVar (database versions not stated): gnomAD exomes below 0.00001 and 0.00001; TOPMed below 0.00001; ExAC 0.00001; ESP Exome Variant Server 0.00008.

Submissions (2):

Revvity Omics, Revvity
Classification: Uncertain significance for Diamond-Blackfan anemia 8. Last evaluated: 2023-07-31. Review status: criteria provided, single submitter. Criteria: ACMG Guidelines, 2015. Collection method: clinical testing. Allele origin: germline.

Labcorp Genetics (formerly Invitae), Labcorp
Classification: Uncertain significance for Diamond-Blackfan anemia 8. Last evaluated: 2022-02-19. Review status: criteria provided, single submitter. Criteria: Invitae Variant Classification Sherloc (09022015). Collection method: clinical testing. Allele origin: germline.
Comment: This sequence change replaces valine, which is neutral and non-polar, with isoleucine, which is neutral and non-polar, at codon 53 of the RPS7 protein (p.Val53Ile). In summary, the available evidence is currently insufficient to determine the role of this variant in disease. Therefore, it has been classified as a Variant of Uncertain Significance. Algorithms developed to predict the effect of missense changes on protein structure and function (SIFT, PolyPhen-2, Align-GVGD) all suggest that this variant is likely to be tolerated. ClinVar contains an entry for this variant (Variation ID: 1040145). This variant has not been reported in the literature in individuals affected with RPS7-related conditions. This variant is present in population databases (rs144178741, gnomAD 0.0009%).